The following is an entry in ClinVar:

NM_025099.6(CTC1):c.1093G>A (p.Val365Met)

Gene: CTC1 (CST telomere replication complex component 1; minus strand). Cytogenetic location: 17p13.1.
Variant type: single nucleotide variant.
Coding change: c.1093G>A on transcript NM_025099.6 (MANE Select); coding-DNA position 1093, G replaced by A.
Protein change: p.Val365Met; replaces valine 365 with methionine.
Molecular consequence: missense variant. On other transcripts: non-coding transcript variant (1).
Genome position (GRCh38, 1-based): chr17:8,235,944, C>T on the plus strand (G>A on the coding strand, the complement: CTC1 is on the minus strand). VCF-style: chr17-8235944-C-T. GRCh37 (hg19) VCF-style: chr17-8139262-C-T.
Other names: short protein forms V365M.
Identifiers: ClinVar variation 1003207 (VCV001003207.7), dbSNP rs753519460, ClinGen allele CA8372459.

ClinVar aggregate classification (germline): Uncertain significance. Review status: criteria provided, multiple submitters, no conflicts (2 of 4 stars). 2 submissions from 2 submitters: Uncertain significance (2). Last evaluated 2024-07-08.

Conditions:
Dyskeratosis congenita. Identifiers: Orphanet 1775, MedGen C0265965, MONDO:0015780.

Allele frequency attached by ClinVar (database versions not stated): gnomAD below 0.00001 and 0.00001; gnomAD exomes 0.00003 and 0.00006; ExAC 0.00008.
gnomAD v4.1: 48 of 1,608,886 alleles (0.003%); highest among the groups gnomAD compares: South Asian, 0.03%; no homozygotes.

Submissions (2):

Labcorp Genetics (formerly Invitae), Labcorp
Classification: Uncertain significance for Dyskeratosis congenita. Last evaluated: 2024-07-08. Review status: criteria provided, single submitter. Criteria: Invitae Variant Classification Sherloc (09022015). Collection method: clinical testing. Allele origin: germline.
Comment: This sequence change replaces valine, which is neutral and non-polar, with methionine, which is neutral and non-polar, at codon 365 of the CTC1 protein (p.Val365Met). This variant is present in population databases (rs753519460, gnomAD 0.05%). This variant has not been reported in the literature in individuals affected with CTC1-related conditions. ClinVar contains an entry for this variant (Variation ID: 1003207). Advanced modeling of protein sequence and biophysical properties (such as structural, functional, and spatial information, amino acid conservation, physicochemical variation, residue mobility, and thermodynamic stability) performed at Invitae indicates that this missense variant is expected to disrupt CTC1 protein function with a positive predictive value of 80%. In summary, the available evidence is currently insufficient to determine the role of this variant in disease. Therefore, it has been classified as a Variant of Uncertain Significance.

Blueprint Genetics
Classification: Uncertain significance. Last evaluated: 2024-06-27. Review status: criteria provided, single submitter. Criteria: ACMG Guidelines, 2015. Collection method: clinical testing. Allele origin: germline.